The following is an entry in ClinVar:

ClinVar aggregate classification (germline): Uncertain significance (1 of 4 stars; one submission).

Conditions:
Ullrich congenital muscular dystrophy 2 (UCMD2). Identifiers: Orphanet 75840, MedGen C4225314, MONDO:0014654, OMIM 616470.
Bethlem myopathy 2 (BTHLM2). Identifiers: Orphanet 536516, Orphanet 610, MedGen C4225313, MONDO:0034022, OMIM 616471.

Submission:

Labcorp Genetics (formerly Invitae), Labcorp
Classification: Uncertain significance for Bethlem myopathy 2; Ullrich congenital muscular dystrophy 2. Last evaluated: 2024-06-11. Review status: criteria provided, single submitter. Criteria: Invitae Variant Classification Sherloc (09022015). Collection method: clinical testing. Allele origin: germline.
Comment: This sequence change replaces proline, which is neutral and non-polar, with arginine, which is basic and polar, at codon 2949 of the COL12A1 protein (p.Pro2949Arg). This variant is not present in population databases (gnomAD no frequency). This variant has not been reported in the literature in individuals affected with COL12A1-related conditions. An algorithm developed to predict the effect of missense changes on protein structure and function (PolyPhen-2) suggests that this variant is likely to be disruptive. In summary, the available evidence is currently insufficient to determine the role of this variant in disease. Therefore, it has been classified as a Variant of Uncertain Significance.

NM_004370.6(COL12A1):c.8846C>G (p.Pro2949Arg)

Gene: COL12A1 (collagen type XII alpha 1 chain; minus strand). Cytogenetic location: 6q13.
Variant type: single nucleotide variant.
Coding change: c.8846C>G on transcript NM_004370.6 (MANE Select); coding-DNA position 8846, C replaced by G.
Protein change: p.Pro2949Arg; replaces proline 2949 with arginine.
Molecular consequence: missense variant.
Genome position (GRCh38, 1-based): chr6:75,090,205, G>C on the plus strand (C>G on the coding strand, the complement: COL12A1 is on the minus strand). VCF-style: chr6-75090205-G-C. GRCh37 (hg19) VCF-style: chr6-75799921-G-C.
Other names: c.8846C>G, p.Pro2949Arg (NM_001424113.1); c.8825C>G, p.Pro2942Arg (NM_001424114.1); c.8573C>G, p.Pro2858Arg (NM_001424115.1); c.5354C>G, p.Pro1785Arg (NM_001424116.1, NM_080645.3); short protein forms P1785R, P2858R, P2942R, P2949R.
Identifiers: ClinVar variation 3756778 (VCV003756778.2).